The following is an entry in ClinVar:

NM_002076.4(GNS):c.1277dup (p.Thr427fs)

Gene: GNS (glucosamine (N-acetyl)-6-sulfatase; minus strand). Cytogenetic location: 12q14.3.
Variant type: Duplication.
Coding change: c.1277dup on transcript NM_002076.4 (MANE Select); coding-DNA position 1277, one base duplicated (C; older notation c.1277dupC).
Protein change: p.Thr427fs; shifts the reading frame from threonine 427.
Molecular consequence: frameshift variant.
Genome position (GRCh38, 1-based): chr12:64,723,037, G duplicated on the plus strand (C on the coding strand, the reverse complement: GNS is on the minus strand); the first of 3 consecutive G bases (chr12:64,723,037-64,723,039); duplicating any one gives the same sequence. VCF-style (leftmost placement, unchanged base first): chr12-64723036-T-TG. GRCh37 (hg19) VCF-style: chr12-65116816-T-TG.
Other names: short protein forms T427fs.
Identifiers: ClinVar variation 3723231 (VCV003723231.2).
Genomic context (GRCh38, chr12:64,723,036, plus strand): 5'-CTGTCTAAGTTGATTCAAGCTATTACTCACAGATACGCCAGGACTCAGGGAAGGGCATGT[T>TG]GGGTCAGTGACGTTACGGCCTTCTCCTTGGTATTCCACCAGGACATCTGATCGCCAGGTC-3'

ClinVar aggregate classification (germline): Pathogenic (1 of 4 stars; one submission).

Conditions:
Mucopolysaccharidosis, MPS-III-D (MPS3D). Also called: N-ACETYLGLUCOSAMINE-6-SULFATASE DEFICIENCY; SANFILIPPO SYNDROME D; MPS III D; Mucopoly-saccharidosis type 3D; N-acetylglucosamine-6-sulfate sulfatase deficiency; MPS 3D. Identifiers: Orphanet 581, Orphanet 79272, MedGen C0086650, MONDO:0009658, OMIM 252940.

Submission:

Labcorp Genetics (formerly Invitae), Labcorp
Classification: Pathogenic for Mucopolysaccharidosis, MPS-III-D. Last evaluated: 2024-10-17. Review status: criteria provided, single submitter. Criteria: Invitae Variant Classification Sherloc (09022015). Collection method: clinical testing. Allele origin: germline.
Comment: This sequence change creates a premature translational stop signal (p.Thr427Asnfs*19) in the GNS gene. It is expected to result in an absent or disrupted protein product. Loss-of-function variants in GNS are known to be pathogenic (PMID: 20232353). This variant is not present in population databases (gnomAD no frequency). This variant has not been reported in the literature in individuals affected with GNS-related conditions. For these reasons, this variant has been classified as Pathogenic.

Literature cited by the submitters: PubMed 20232353.